The following is an entry in ClinVar:

NM_001354604.2(MITF):c.494G>T (p.Gly165Val)

Gene: MITF (melanocyte inducing transcription factor; plus strand). Cytogenetic location: 3p13.
Variant type: single nucleotide variant.
Coding change: c.494G>T on transcript NM_001354604.2 (MANE Select); coding-DNA position 494, G replaced by T.
Protein change: p.Gly165Val; replaces glycine 165 with valine.
Molecular consequence: missense variant. On other transcripts: intron variant (1).
Genome position (GRCh38, 1-based): chr3:69,937,961, G>T. VCF-style: chr3-69937961-G-T. GRCh37 (hg19) VCF-style: chr3-69987112-G-T.
Other names: c.173G>T, p.Gly58Val (NM_000248.4, NM_001184968.2, NM_198158.3); c.338G>T, p.Gly113Val (NM_001184967.2, NM_001354608.2); c.491G>T, p.Gly164Val (NM_001354605.2, NM_001354606.2, NM_006722.3); c.443G>T, p.Gly148Val (NM_001354607.2); c.494G>T, p.Gly165Val (NM_198159.3); c.446G>T, p.Gly149Val (NM_198177.3); c.93+80G>T (NM_198178.3); short protein forms G148V, G149V, G164V, G58V, G113V, G165V.
Identifiers: ClinVar variation 2070229 (VCV002070229.5), dbSNP rs745460313, ClinGen allele CA2490363.

ClinVar aggregate classification (germline): Uncertain significance. Review status: criteria provided, multiple submitters, no conflicts (2 of 4 stars). 2 submissions from 2 submitters: Uncertain significance (2). Last evaluated 2025-09-03.

Conditions:
Tietz syndrome (TADS). Also called: ALBINISM-DEAFNESS OF TIETZ; TIETZ ALBINISM-DEAFNESS SYNDROME; HYPOPIGMENTATION/DEAFNESS OF TIETZ. Identifiers: Orphanet 42665, MedGen C0391816, MONDO:0007077, OMIM 103500.
Waardenburg syndrome type 2A (WS2A). Also called: WAARDENBURG SYNDROME WITHOUT DYSTOPIA CANTHORUM. Identifiers: Orphanet 3440, MedGen C1860339, MONDO:0008671, OMIM 193510.
Melanoma, cutaneous malignant, susceptibility to, 8. Also called: Cutaneous malignant melanoma 8; MELANOMA AND RENAL CELL CARCINOMA, SUSCEPTIBILITY TO. Identifiers: Orphanet 293822, MedGen C3152204, MONDO:0013759, OMIM 614456.
Coloboma, osteopetrosis, microphthalmia, macrocephaly, albinism, and deafness (COMMAD). Also called: COMMAD syndrome. Identifiers: Orphanet 603494, MedGen C4310625, MONDO:0015014, OMIM 617306.

Allele frequency attached by ClinVar (database versions not stated): TOPMed below 0.00001; ExAC 0.00002.
gnomAD v4.1: 28 of 1,614,148 alleles (0.0017%); highest among the groups gnomAD compares: East Asian, 0.06%; no homozygotes.

Submissions (2):

Labcorp Genetics (formerly Invitae), Labcorp
Classification: Uncertain significance for Melanoma, cutaneous malignant, susceptibility to, 8; Waardenburg syndrome type 2A; Tietz syndrome. Last evaluated: 2025-09-03. Review status: criteria provided, single submitter. Criteria: Invitae Variant Classification Sherloc (09022015). Collection method: clinical testing. Allele origin: germline.
Comment: This sequence change replaces glycine, which is neutral and non-polar, with valine, which is neutral and non-polar, at codon 58 of the MITF protein (p.Gly58Val). This variant is present in population databases (rs745460313, gnomAD 0.05%). This variant has not been reported in the literature in individuals affected with MITF-related conditions. ClinVar contains an entry for this variant (Variation ID: 2070229). Invitae Evidence Modeling of protein sequence and biophysical properties (such as structural, functional, and spatial information, amino acid conservation, physicochemical variation, residue mobility, and thermodynamic stability) indicates that this missense variant is not expected to disrupt MITF protein function with a negative predictive value of 80%. In summary, the available evidence is currently insufficient to determine the role of this variant in disease. Therefore, it has been classified as a Variant of Uncertain Significance.

Fulgent Genetics
Classification: Uncertain significance for Tietz syndrome; Waardenburg syndrome type 2A; Melanoma, cutaneous malignant, susceptibility to, 8; Coloboma, osteopetrosis, microphthalmia, macrocephaly, albinism, and deafness. Last evaluated: 2024-02-01. Review status: criteria provided, single submitter. Criteria: ACMG Guidelines, 2015. Collection method: clinical testing. Allele origin: germline.